The following is an entry in ClinVar:

NM_022039.4(FBXW4):c.*453C>T

Gene: FBXW4 (F-box and WD repeat domain containing 4; minus strand). Cytogenetic location: 10q24.32.
Variant type: single nucleotide variant.
Coding change: c.*453C>T on transcript NM_022039.4 (MANE Select); 453 bases downstream of the stop codon, C replaced by T.
Molecular consequence: 3 prime UTR variant. On other transcripts: non-coding transcript variant (1).
Genome position (GRCh38, 1-based): chr10:101,610,838, G>A on the plus strand (C>T on the coding strand, the complement: FBXW4 is on the minus strand). VCF-style: chr10-101610838-G-A. GRCh37 (hg19) VCF-style: chr10-103370595-G-A.
Other names: c.*453C>T (NM_001323541.2).
Identifiers: ClinVar variation 298523 (VCV000298523.5), dbSNP rs570558261, ClinGen allele CA10627889.

ClinVar aggregate classification (germline): Likely benign (1 of 4 stars; one submission).

Conditions:
Split hand-foot malformation 3. Also called: CHROMOSOME 10q24 DUPLICATION SYNDROME; SHSF3; Buttiens Fryns syndrome. Identifiers: Orphanet 1307, MedGen C1838652, MONDO:0009525, OMIM 246560.

Allele frequency attached by ClinVar (database versions not stated): 1000 Genomes Project 30x 0.00109; 1000 Genomes Project 0.00120; gnomAD 0.00237 and 0.00263; TOPMed 0.00283.

Submission:

Illumina Laboratory Services, Illumina
Classification: Likely benign for Split hand-foot malformation 3. Last evaluated: 2018-01-13. Review status: criteria provided, single submitter. Criteria: ICSL Variant Classification Criteria 13 December 2019. Collection method: clinical testing. Allele origin: germline.
Comment: This variant was observed in the ICSL laboratory as part of a predisposition screen in an ostensibly healthy population. It had not been previously curated by ICSL or reported in the Human Gene Mutation Database (HGMD: prior to June 1st, 2018), and was therefore a candidate for classification through an automated scoring system. Utilizing variant allele frequency, disease prevalence and penetrance estimates, and inheritance mode, an automated score was calculated to assess if this variant is too frequent to cause the disease. Based on the score and internal cut-off values, a variant classified as likely benign is not then subjected to further curation. The score for this variant resulted in a classification of likely benign for this disease.